The following is an entry in ClinVar:

ClinVar aggregate classification (germline): Likely pathogenic (1 of 4 stars; one submission).

Conditions:
Intellectual developmental disorder, autosomal dominant 51. Also called: Intellectual disability, autosomal dominant 51; MENTAL RETARDATION, AUTOSOMAL DOMINANT 51. Identifiers: Orphanet 684226, MedGen C4540474, MONDO:0030917, OMIM 617788.

Submission:

Juno Genomics, Hangzhou Juno Genomics, Inc
Classification: Likely pathogenic for Intellectual developmental disorder, autosomal dominant 51. Review status: criteria provided, single submitter. Criteria: ACMG Guidelines, 2015. Collection method: clinical testing. Allele origin: germline. Affected: yes.
Comment: Absent from controls (or at extremely low frequency if recessive) in Genome Aggregation Database, Exome Sequencing Project, 1000 Genomes Project, or Exome Aggregation Consortium.;Null variant in a gene where loss of function (LOF) is a known mechanism of disease.

NM_017635.5(KMT5B):c.485G>A (p.Trp162Ter)

Gene: KMT5B (lysine methyltransferase 5B; minus strand). Cytogenetic location: 11q13.2.
Variant type: single nucleotide variant.
Coding change: c.485G>A on transcript NM_017635.5 (MANE Select); coding-DNA position 485, G replaced by A.
Protein change: p.Trp162Ter; replaces tryptophan 162 with a stop codon.
Molecular consequence: nonsense. On other transcripts: 5 prime UTR variant (9), non-coding transcript variant (3).
Genome position (GRCh38, 1-based): chr11:68,175,076, C>T on the plus strand (G>A on the coding strand, the complement: KMT5B is on the minus strand). VCF-style: chr11-68175076-C-T. GRCh37 (hg19) VCF-style: chr11-67942543-C-T.
Other names: c.-32G>A (NM_001369431.1, NM_001369432.1, NM_001369433.1 and 5 more transcripts); c.485G>A, p.Trp162Ter (NM_016028.4, NM_001363566.2, NM_001369426.1 and 1 more transcripts); c.-183G>A (NM_001300908.2); c.416G>A, p.Trp139Ter (NM_001300909.2); c.272G>A, p.Trp91Ter (NM_001369425.1); short protein forms W139*, W162*, W91*.
Identifiers: ClinVar variation 3382132 (VCV003382132.2).
Genomic context (GRCh38, chr11:68,175,076, plus strand): 5'-ACATGTTCTTTGAATAATTTCTCCTGCATTTTATTCTTGTTGAGAAAATAGTGCCGTGCC[C>T]ATTCGCCTGAAGTCAAACATTTGAAGGCTTTCTCCAAGTGTTCATCTTTCTTAAAACGTT-3'